The following is an entry in ClinVar:

ClinVar aggregate classification (germline): Uncertain significance (1 of 4 stars; one submission).

Conditions:
Epilepsy. Also called: Seizure disorder. Identifiers: MedGen C0014544, MeSH D004827, MONDO:0005027.

Submission:

Labcorp Genetics (formerly Invitae), Labcorp
Classification: Uncertain significance for Epilepsy. Last evaluated: 2022-08-10. Review status: criteria provided, single submitter. Criteria: Invitae Variant Classification Sherloc (09022015). Collection method: clinical testing. Allele origin: germline.
Comment: This sequence change replaces histidine, which is basic and polar, with tyrosine, which is neutral and polar, at codon 252 of the PIGQ protein (p.His252Tyr). This variant is not present in population databases (gnomAD no frequency). This variant has not been reported in the literature in individuals affected with PIGQ-related conditions. ClinVar contains an entry for this variant (Variation ID: 1368022). Algorithms developed to predict the effect of missense changes on protein structure and function output the following: SIFT: "Tolerated"; PolyPhen-2: "Benign"; Align-GVGD: "Class C0". The tyrosine amino acid residue is found in multiple mammalian species, which suggests that this missense change does not adversely affect protein function. Algorithms developed to predict the effect of sequence changes on RNA splicing suggest that this variant may create or strengthen a splice site. In summary, the available evidence is currently insufficient to determine the role of this variant in disease. Therefore, it has been classified as a Variant of Uncertain Significance.

NM_004204.5(PIGQ):c.754C>T (p.His252Tyr)

Gene: PIGQ (phosphatidylinositol glycan anchor biosynthesis class Q; plus strand). Cytogenetic location: 16p13.3.
Variant type: single nucleotide variant.
Coding change: c.754C>T on transcript NM_004204.5 (MANE Select); coding-DNA position 754, C replaced by T.
Protein change: p.His252Tyr; replaces histidine 252 with tyrosine.
Molecular consequence: missense variant.
Genome position (GRCh38, 1-based): chr16:575,903, C>T. VCF-style: chr16-575903-C-T. GRCh37 (hg19) VCF-style: chr16-625903-C-T.
Other names: c.754C>T, p.His252Tyr (NM_148920.4); short protein forms H252Y.
Identifiers: ClinVar variation 1368022 (VCV001368022.8), dbSNP rs2151045358, ClinGen allele CA394051749.